The following is an entry in ClinVar:

NM_001379110.1(SLC9A6):c.1269G>C (p.Lys423Asn)

Gene: SLC9A6 (solute carrier family 9 member A6; plus strand). Cytogenetic location: Xq26.3.
Variant type: single nucleotide variant.
Coding change: c.1269G>C on transcript NM_001379110.1 (MANE Select); coding-DNA position 1269, G replaced by C.
Protein change: p.Lys423Asn; replaces lysine 423 with asparagine.
Molecular consequence: missense variant.
Genome position (GRCh38, 1-based): chrX:136,022,660, G>C. VCF-style: chrX-136022660-G-C. GRCh37 (hg19) VCF-style: chrX-135104819-G-C.
Other names: NM_001379110.1(SLC9A6):c.1269G>C; p.Lys423Asn; c.1425G>C, p.Lys475Asn (NM_001042537.2); c.1269G>C, p.Lys423Asn (NM_001177651.2); c.1173G>C, p.Lys391Asn (NM_001330652.2); c.1329G>C, p.Lys443Asn (NM_006359.3); short protein forms K391N, K423N, K443N, K475N.
Identifiers: ClinVar variation 1215092 (VCV001215092.11), dbSNP rs781918578, ClinGen allele CA10524794.

ClinVar aggregate classification (germline): Benign. Review status: reviewed by expert panel (3 of 4 stars). 3 submissions from 3 submitters: Benign (1). 2 of the submissions do not count toward it. Last evaluated 2024-02-23.

Conditions:
Christianson syndrome (MRXSCH). Also called: INTELLECTUAL DEVELOPMENTAL DISORDER, X-LINKED, SYNDROMIC, CHRISTIANSON TYPE; X-linked mental retardation, syndromic, Christianson type; SLC9A6-Related Syndromic Mental Retardation. Identifiers: Orphanet 85278, MedGen C2678194, MONDO:0010278, OMIM 300243.

Allele frequency attached by ClinVar (database versions not stated): ExAC 0.00002; gnomAD 0.00002; TOPMed 0.00003; gnomAD exomes 0.00004.
gnomAD v4.1: 46 of 1,192,096 alleles (0.0039%); highest among the groups gnomAD compares: Non-Finnish European, 0.0051%; no homozygotes.

Submissions (3):

ClinGen Rett and Angelman-like Disorders Variant Curation Expert Panel
Classification: Benign for Christianson syndrome. Last evaluated: 2024-02-23. Review status: reviewed by expert panel. Criteria: ClinGen RettAS ACMG Specifications SLC9A6 V3.0.0. Collection method: curation. Allele origin: germline. Inheritance: X-linked inheritance.
Comment: TThe allele frequency of the p.Lys443Asn variant in SLC9A6 (NM_006359.2) is 0.009% in European (Non-Finnish) sub population in gnomAD v2, which is high enough to meet the BS1 criteria based on thresholds defined by the ClinGen Rett/Angelman-like Expert Panel for Rett/AS-like conditions (BS1). The p.Lys443Asn variant is observed in the hemizygous state in at least 2 unaffected individuals (internal database - GeneDx) (BS2). In summary, the p.Lys443Asn variant in SLC9A6 is classified as benign based on the ACMG/AMP criteria (BS1, BS2, BP5).

Labcorp Genetics (formerly Invitae), Labcorp
Classification: Uncertain significance for Christianson syndrome. Last evaluated: 2025-12-15. Review status: criteria provided, single submitter. Criteria: Invitae Variant Classification Sherloc (09022015). Collection method: clinical testing. Allele origin: germline. Not counted in ClinVar's aggregate classification.
Comment: This sequence change replaces lysine, which is basic and polar, with asparagine, which is neutral and polar, at codon 443 of the SLC9A6 protein (p.Lys443Asn). This variant is present in population databases (rs781918578, gnomAD 0.009%), including at least one homozygous and/or hemizygous individual. This variant has not been reported in the literature in individuals affected with SLC9A6-related conditions. ClinVar contains an entry for this variant (Variation ID: 1215092). Invitae Evidence Modeling of protein sequence and biophysical properties (such as structural, functional, and spatial information, amino acid conservation, physicochemical variation, residue mobility, and thermodynamic stability) has been performed for this missense variant. However, the output from this modeling did not meet the statistical confidence thresholds required to predict the impact of this variant on SLC9A6 protein function. In summary, the available evidence is currently insufficient to determine the role of this variant in disease. Therefore, it has been classified as a Variant of Uncertain Significance.

GeneDx
Classification: Likely benign. Last evaluated: 2021-05-19. Review status: criteria provided, single submitter. Criteria: GeneDx Variant Classification Process June 2021. Collection method: clinical testing. Allele origin: germline. Affected: yes. Not counted in ClinVar's aggregate classification.